The following is an entry in ClinVar:

NM_003002.4(SDHD):c.94T>G (p.Ser32Ala)

Gene: SDHD (succinate dehydrogenase complex subunit D; plus strand). Cytogenetic location: 11q23.1.
Variant type: single nucleotide variant.
Coding change: c.94T>G on transcript NM_003002.4 (MANE Select); coding-DNA position 94, T replaced by G.
Protein change: p.Ser32Ala; replaces serine 32 with alanine.
Molecular consequence: missense variant. On other transcripts: non-coding transcript variant (1), intron variant (1).
Genome position (GRCh38, 1-based): chr11:112,087,898, T>G. VCF-style: chr11-112087898-T-G. GRCh37 (hg19) VCF-style: chr11-111958622-T-G.
Other names: c.94T>G (NM_003002.2); c.94T>G, p.Ser32Ala (NM_001276503.2, NM_001276506.2); c.52+939T>G (NM_001276504.2); short protein forms S32A.
Identifiers: ClinVar variation 2946059 (VCV002946059.4), dbSNP rs2498899808, ClinGen allele CA382616981.

ClinVar aggregate classification (germline): Uncertain significance. Review status: criteria provided, multiple submitters, no conflicts (2 of 4 stars). 2 submissions from 2 submitters: Uncertain significance (2). Last evaluated 2026-08-09.

Conditions:
Hereditary cancer-predisposing syndrome. Also called: Hereditary Cancer Syndrome; Hereditary neoplastic syndrome; Neoplastic Syndromes, Hereditary; Tumor predisposition. Identifiers: Orphanet 140162, MedGen C0027672, MeSH D009386, MONDO:0015356.
Carney-Stratakis syndrome. Also called: PARAGANGLIOMA AND GASTROINTESTINAL STROMAL TUMOR. Identifiers: Orphanet 97286, MedGen C1847319, MONDO:0011740, OMIM 606864.
Pheochromocytoma. Also called: MAX-Related Hereditary Paraganglioma-Pheochromocytoma Syndrome. Identifiers: Orphanet 29072, MedGen C0031511, MONDO:0008233, OMIM 171300, HP:0002666.
Paragangliomas with sensorineural hearing loss. Identifiers: MedGen C1868633.
Cowden syndrome 3 (CWS3). Identifiers: Orphanet 201, MedGen CN166604, MONDO:0014045.

Submissions (2):

Ambry Genetics
Classification: Uncertain significance for Hereditary cancer-predisposing syndrome. Last evaluated: 2026-08-09. Review status: criteria provided, single submitter. Criteria: Ambry Variant Classification Scheme 2023. Collection method: clinical testing. Allele origin: germline.
Comment: The p.S32A variant (also known as c.94T>G), located in coding exon 2 of the SDHD gene, results from a T to G substitution at nucleotide position 94. The serine at codon 32 is replaced by alanine, an amino acid with similar properties. This amino acid position is conserved. In addition, the in silico prediction for this alteration is inconclusive. Based on the available evidence, the clinical significance of this variant remains unclear.

Labcorp Genetics (formerly Invitae), Labcorp
Classification: Uncertain significance for Carney-Stratakis syndrome; Paragangliomas with sensorineural hearing loss; Pheochromocytoma; Cowden syndrome 3. Last evaluated: 2023-04-02. Review status: criteria provided, single submitter. Criteria: Invitae Variant Classification Sherloc (09022015). Collection method: clinical testing. Allele origin: germline.
Comment: In summary, the available evidence is currently insufficient to determine the role of this variant in disease. Therefore, it has been classified as a Variant of Uncertain Significance. Advanced modeling of protein sequence and biophysical properties (such as structural, functional, and spatial information, amino acid conservation, physicochemical variation, residue mobility, and thermodynamic stability) performed at Invitae indicates that this missense variant is not expected to disrupt SDHD protein function. This variant has not been reported in the literature in individuals affected with SDHD-related conditions. This variant is not present in population databases (gnomAD no frequency). This sequence change replaces serine, which is neutral and polar, with alanine, which is neutral and non-polar, at codon 32 of the SDHD protein (p.Ser32Ala).